The following is an entry in ClinVar:

ClinVar aggregate classification (germline): Uncertain significance (1 of 4 stars; one submission).

Conditions:
Hereditary cancer-predisposing syndrome. Also called: Neoplastic Syndromes, Hereditary; Tumor predisposition; Hereditary neoplastic syndrome; Hereditary Cancer Syndrome. Identifiers: Orphanet 140162, MedGen C0027672, MeSH D009386, MONDO:0015356.

Submission:

Ambry Genetics
Classification: Uncertain significance for Hereditary cancer-predisposing syndrome. Last evaluated: 2026-07-07. Review status: criteria provided, single submitter. Criteria: Ambry Variant Classification Scheme 2023. Collection method: clinical testing. Allele origin: germline.
Comment: The p.K651E variant (also known as c.1951A>G), located in coding exon 15 of the BAP1 gene, results from an A to G substitution at nucleotide position 1951. The lysine at codon 651 is replaced by glutamic acid, an amino acid with similar properties. This amino acid position is conserved. In addition, the in silico prediction for this alteration is inconclusive. Based on the available evidence, the clinical significance of this variant remains unclear.

NM_004656.4(BAP1):c.1951A>G (p.Lys651Glu)

Gene: BAP1 (BRCA1 associated deubiquitinase 1; minus strand). Cytogenetic location: 3p21.1.
Variant type: single nucleotide variant.
Coding change: c.1951A>G on transcript NM_004656.4 (MANE Select); coding-DNA position 1951, A replaced by G.
Protein change: p.Lys651Glu; replaces lysine 651 with glutamic acid.
Molecular consequence: missense variant.
Genome position (GRCh38, 1-based): chr3:52,402,811, T>C on the plus strand (A>G on the coding strand, the complement: BAP1 is on the minus strand). VCF-style: chr3-52402811-T-C. GRCh37 (hg19) VCF-style: chr3-52436827-T-C.
Other names: c.1897A>G, p.Lys633Glu (NM_001410772.1); short protein forms K651E, K633E.
Identifiers: ClinVar variation 5032727 (VCV005032727.1).
Genomic context (GRCh38, chr3:52,402,811, plus strand): 5'-AGATCAGGCAACTGGAGAAATCACCCACCTTGAACTTCTTCCTCTTCTCTACCTCCTCCT[T>C]GAGGCACGCCTCATAGTTTGCAATCTCAGCCTCCACACACTTCAGCAGTGCCAGCAGCTC-3'
Protein context (NP_004647.1, residues 641-661): AEIANYEACL[Lys651Glu]EEVEKRKKFK